The following is an entry in ClinVar:

ClinVar aggregate classification (germline): Likely benign. Review status: criteria provided, multiple submitters, no conflicts (2 of 4 stars). 2 submissions from 2 submitters: Likely benign (2). Last evaluated 2025-02-10.

Allele frequency attached by ClinVar (database versions not stated): TOPMed below 0.00001; gnomAD exomes 0.00001; gnomAD 0.00002.
gnomAD v4.1: 20 of 1,612,012 alleles (0.0012%); highest among the groups gnomAD compares: Non-Finnish European, 0.0016%; no homozygotes.

Submissions (2):

Labcorp Genetics (formerly Invitae), Labcorp
Classification: Likely benign. Last evaluated: 2025-02-10. Review status: criteria provided, single submitter. Criteria: Invitae Variant Classification Sherloc (09022015). Collection method: clinical testing. Allele origin: germline.

CeGaT Center for Human Genetics Tuebingen
Classification: Likely benign. Last evaluated: 2022-12-01. Review status: criteria provided, single submitter. Criteria: CeGaT Center For Human Genetics Tuebingen Variant Classification Criteria Version 2. Collection method: clinical testing. Allele origin: germline. Affected: yes. Observed: 1 variant allele.
Comment: C2CD3: BP4, BP7

NM_001286577.2(C2CD3):c.5128C>T (p.Leu1710=)

Gene: C2CD3 (C2 domain containing 3 centriole elongation regulator; minus strand). Cytogenetic location: 11q13.4.
Variant type: single nucleotide variant.
Coding change: c.5128C>T on transcript NM_001286577.2 (MANE Select); coding-DNA position 5128, C replaced by T.
Protein change: p.Leu1710=; no amino-acid change (leucine 1710 retained).
Molecular consequence: synonymous variant.
Genome position (GRCh38, 1-based): chr11:74,054,634, G>A on the plus strand (C>T on the coding strand, the complement: C2CD3 is on the minus strand). VCF-style: chr11-74054634-G-A. GRCh37 (hg19) VCF-style: chr11-73765679-G-A.
Other names: c.5128C>T, p.Leu1710= (NM_015531.6).
Identifiers: ClinVar variation 2642145 (VCV002642145.26), dbSNP rs1245036645, ClinGen allele CA475658881.